The following is an entry in ClinVar:

NM_004360.5(CDH1):c.2618C>G (p.Ala873Gly)

Gene: CDH1 (cadherin 1; plus strand). Cytogenetic location: 16q22.1.
Variant type: single nucleotide variant.
Coding change: c.2618C>G on transcript NM_004360.5 (MANE Select); coding-DNA position 2618, C replaced by G.
Protein change: p.Ala873Gly; replaces alanine 873 with glycine.
Molecular consequence: missense variant.
Genome position (GRCh38, 1-based): chr16:68,833,468, C>G. VCF-style: chr16-68833468-C-G. GRCh37 (hg19) VCF-style: chr16-68867371-C-G.
Other names: c.2435C>G, p.Ala812Gly (NM_001317184.2); c.1070C>G, p.Ala357Gly (NM_001317185.2); c.653C>G, p.Ala218Gly (NM_001317186.2); short protein forms A218G, A357G, A812G, A873G.
Identifiers: ClinVar variation 1692797 (VCV001692797.4), dbSNP rs1457628508, ClinGen allele CA396472779.
Genomic context (GRCh38, chr16:68,833,468, plus strand): 5'-CAGACAAAGACCAGGACTATGACTACTTGAACGAATGGGGCAATCGCTTCAAGAAGCTGG[C>G]TGACATGTACGGAGGCGGCGAGGACGACTAGGGGACTCGAGAGAGGCGGGCCCCAGACCC-3'
Protein context (NP_004351.1, residues 863-882): NEWGNRFKKL[Ala873Gly]DMYGGGEDD

ClinVar aggregate classification (germline): Uncertain significance. Review status: criteria provided, multiple submitters, no conflicts (2 of 4 stars). 3 submissions from 3 submitters: Uncertain significance (3). Last evaluated 2025-02-26.

Conditions:
Hereditary diffuse gastric adenocarcinoma (HDGC). Also called: DIFFUSE GASTRIC AND LOBULAR BREAST CANCER SYNDROME. Identifiers: Orphanet 26106, MedGen C1708349, MONDO:0007648, OMIM 137215.
Hereditary cancer-predisposing syndrome. Also called: Neoplastic Syndromes, Hereditary; Hereditary Cancer Syndrome; Tumor predisposition; Hereditary neoplastic syndrome. Identifiers: Orphanet 140162, MedGen C0027672, MeSH D009386, MONDO:0015356.

Submissions (3):

Labcorp Genetics (formerly Invitae), Labcorp
Classification: Uncertain significance for Hereditary diffuse gastric adenocarcinoma. Last evaluated: 2025-02-26. Review status: criteria provided, single submitter. Criteria: Invitae Variant Classification Sherloc (09022015). Collection method: clinical testing. Allele origin: germline.
Comment: This sequence change replaces alanine, which is neutral and non-polar, with glycine, which is neutral and non-polar, at codon 873 of the CDH1 protein (p.Ala873Gly). This variant is not present in population databases (gnomAD no frequency). This missense change has been observed in individual(s) with breast cancer (PMID: 29752822). ClinVar contains an entry for this variant (Variation ID: 1692797). An algorithm developed to predict the effect of missense changes on protein structure and function (PolyPhen-2) suggests that this variant is likely to be disruptive. In summary, the available evidence is currently insufficient to determine the role of this variant in disease. Therefore, it has been classified as a Variant of Uncertain Significance.

Color Diagnostics, LLC DBA Color Health
Classification: Uncertain significance for Hereditary cancer-predisposing syndrome. Last evaluated: 2023-09-13. Review status: criteria provided, single submitter. Criteria: ACMG Guidelines, 2015. Collection method: clinical testing. Allele origin: germline.
Comment: This missense variant replaces alanine with glycine at codon 873 of the CDH1 protein. To our knowledge, functional studies have not been reported for this variant. This variant has been reported in an individual affected with breast cancer (PMID: 29752822). This variant has not been identified in the general population by the Genome Aggregation Database (gnomAD). The available evidence is insufficient to determine the role of this variant in disease conclusively. Therefore, this variant is classified as a Variant of Uncertain Significance.

Sema4
Classification: Uncertain significance for Hereditary cancer-predisposing syndrome. Last evaluated: 2022-01-07. Review status: criteria provided, single submitter. Criteria: Sema4 Curation Guidelines. Collection method: curation. Allele origin: germline.
Comment: The CDH1 c.2618C>G (p.A873G) variant has been reported in heterozygosity in at least one individual with breast cancer (PMID: 29752822). It was not observed in the large and broad cohorts of the Genome Aggregation Database (PMID: 32461654), nor has it been reported in ClinVar. Functional studies have not been performed, and in silico predictions of the variant's effect on protein function are inconclusive. The evidence is insufficient to meet ACMG/AMP criteria for classifying the variant as benign or pathogenic. Thus, the clinical significance of this variant is currently uncertain.

Literature cited by the submitters: PubMed 29752822 (cited by 3 submitters).